The following is an entry in ClinVar:

ClinVar aggregate classification (germline): Conflicting classifications of pathogenicity. Review status: criteria provided, conflicting classifications (1 of 4 stars). 5 submissions from 5 submitters: Uncertain significance (2); Likely benign (3). Last evaluated 2026-08-01.

Conditions:
Cardiovascular phenotype. Identifiers: MedGen CN230736.
Dilated cardiomyopathy 1HH (CMD1HH). Identifiers: Orphanet 154, MedGen C3151293, MONDO:0013479, OMIM 613881.
Myofibrillar myopathy 6. Identifiers: Orphanet 199340, MedGen C2751831, MONDO:0013061, OMIM 612954.

Allele frequency attached by ClinVar (database versions not stated): TOPMed 0.00002; ExAC 0.00003.
gnomAD v4.1: 65 of 1,613,764 alleles (0.004%); highest among the groups gnomAD compares: Admixed American, 0.0083%; no homozygotes.

Submissions (5):

CeGaT Center for Human Genetics Tuebingen
Classification: Likely benign. Last evaluated: 2026-08-01. Review status: criteria provided, single submitter. Criteria: CeGaT Center For Human Genetics Tuebingen Variant Classification Criteria Version 2. Collection method: clinical testing. Allele origin: germline. Affected: yes. Observed: 2 variant alleles.
Comment: BAG3: BP4

Women's Health and Genetics/Laboratory Corporation of America, LabCorp
Classification: Likely benign. Last evaluated: 2026-04-29. Review status: criteria provided, single submitter. Criteria: LabCorp Variant Classification Summary - May 2015. Collection method: clinical testing. Allele origin: germline.
Comment: Variant summary: BAG3 c.782G>A (p.Arg261Gln) results in a conservative amino acid change in the encoded protein sequence. Algorithms developed to predict the effect of missense changes on protein structure and function all suggest that this variant is likely to be tolerated. The variant allele was found at a frequency of 4e-05 in 250490 control chromosomes. The observed variant frequency exceeds the estimated maximal expected allele frequency for disease-causing variants in BAG3. To our knowledge, no occurrence of c.782G>A in individuals affected with BAG3-related conditions and no experimental evidence demonstrating its impact on protein function have been reported. ClinVar contains an entry for this variant (Variation ID: 967563). Based on the evidence outlined above, the variant was classified as likely benign.

Labcorp Genetics (formerly Invitae), Labcorp
Classification: Uncertain significance for Dilated cardiomyopathy 1HH; Myofibrillar myopathy 6. Last evaluated: 2025-10-09. Review status: criteria provided, single submitter. Criteria: Invitae Variant Classification Sherloc (09022015). Collection method: clinical testing. Allele origin: germline.
Comment: This sequence change replaces arginine, which is basic and polar, with glutamine, which is neutral and polar, at codon 261 of the BAG3 protein (p.Arg261Gln). This variant is present in population databases (rs746454994, gnomAD 0.01%). This variant has not been reported in the literature in individuals affected with BAG3-related conditions. ClinVar contains an entry for this variant (Variation ID: 967563). Invitae Evidence Modeling of protein sequence and biophysical properties (such as structural, functional, and spatial information, amino acid conservation, physicochemical variation, residue mobility, and thermodynamic stability) indicates that this missense variant is not expected to disrupt BAG3 protein function with a negative predictive value of 80%. In summary, the available evidence is currently insufficient to determine the role of this variant in disease. Therefore, it has been classified as a Variant of Uncertain Significance.

Ambry Genetics
Classification: Uncertain significance for Cardiovascular phenotype. Last evaluated: 2024-07-17. Review status: criteria provided, single submitter. Criteria: Ambry Variant Classification Scheme 2023. Collection method: clinical testing. Allele origin: germline.
Comment: The p.R261Q variant (also known as c.782G>A), located in coding exon 3 of the BAG3 gene, results from a G to A substitution at nucleotide position 782. The arginine at codon 261 is replaced by glutamine, an amino acid with highly similar properties. This amino acid position is not well conserved in available vertebrate species. In addition, this alteration is predicted to be tolerated by in silico analysis. Since supporting evidence is limited at this time, the clinical significance of this alteration remains unclear.

GeneDx
Classification: Likely benign. Last evaluated: 2021-05-11. Review status: criteria provided, single submitter. Criteria: GeneDx Variant Classification Process June 2021. Collection method: clinical testing. Allele origin: germline. Affected: yes.
Comment: In silico analysis supports that this missense variant does not alter protein structure/function; Has not been previously published as pathogenic or benign to our knowledge

NM_004281.4(BAG3):c.782G>A (p.Arg261Gln)

Gene: BAG3 (BAG cochaperone 3; plus strand). Cytogenetic location: 10q26.11.
Variant type: single nucleotide variant.
Coding change: c.782G>A on transcript NM_004281.4 (MANE Select); coding-DNA position 782, G replaced by A.
Protein change: p.Arg261Gln; replaces arginine 261 with glutamine.
Molecular consequence: missense variant.
Genome position (GRCh38, 1-based): chr10:119,672,529, G>A. VCF-style: chr10-119672529-G-A. GRCh37 (hg19) VCF-style: chr10-121432041-G-A.
Other names: short protein forms R261Q.
Identifiers: ClinVar variation 967563 (VCV000967563.15), dbSNP rs746454994, ClinGen allele CA5716410.